The following is an entry in ClinVar:

ClinVar aggregate classification (germline): Uncertain significance (1 of 4 stars; one submission).

Conditions:
Developmental and epileptic encephalopathy, 32 (DEE32). Also called: Epileptic encephalopathy, early infantile, 32. Identifiers: Orphanet 442835, MedGen C4225350, MONDO:0014607, OMIM 616366.

Submission:

Labcorp Genetics (formerly Invitae), Labcorp
Classification: Uncertain significance for Developmental and epileptic encephalopathy, 32. Last evaluated: 2023-03-24. Review status: criteria provided, single submitter. Criteria: Invitae Variant Classification Sherloc (09022015). Collection method: clinical testing. Allele origin: germline.
Comment: This sequence change replaces glutamine, which is neutral and polar, with histidine, which is basic and polar, at codon 315 of the KCNA2 protein (p.Gln315His). This variant is not present in population databases (gnomAD no frequency). This variant has not been reported in the literature in individuals affected with KCNA2-related conditions. Advanced modeling of protein sequence and biophysical properties (such as structural, functional, and spatial information, amino acid conservation, physicochemical variation, residue mobility, and thermodynamic stability) performed at Invitae indicates that this missense variant is expected to disrupt KCNA2 protein function. In summary, the available evidence is currently insufficient to determine the role of this variant in disease. Therefore, it has been classified as a Variant of Uncertain Significance.

NM_004974.4(KCNA2):c.945G>T (p.Gln315His)

Gene: KCNA2 (potassium voltage-gated channel subfamily A member 2; minus strand). Cytogenetic location: 1p13.3.
Variant type: single nucleotide variant.
Coding change: c.945G>T on transcript NM_004974.4 (MANE Select); coding-DNA position 945, G replaced by T.
Protein change: p.Gln315His; replaces glutamine 315 with histidine.
Molecular consequence: missense variant. On other transcripts: intron variant (1).
Genome position (GRCh38, 1-based): chr1:110,603,838, C>A on the plus strand (G>T on the coding strand, the complement: KCNA2 is on the minus strand). VCF-style: chr1-110603838-C-A. GRCh37 (hg19) VCF-style: chr1-111146460-C-A.
Other names: c.894+51G>T (NM_001204269.2); short protein forms Q315H.
Identifiers: ClinVar variation 2849151 (VCV002849151.3), dbSNP rs2524617754, ClinGen allele CA341602658.